The following is an entry in ClinVar:

ClinVar aggregate classification (germline): Uncertain significance. Review status: criteria provided, multiple submitters, no conflicts (2 of 4 stars). 2 submissions from 2 submitters: Uncertain significance (2). Last evaluated 2026-01-06.

Conditions:
Cowden syndrome (CS). Also called: Cowden's disease; Cowden's syndrome; Cowden disease. Identifiers: Orphanet 201, MedGen C0018553, MONDO:0016063. Disease mechanism: gain of function.
Inborn genetic diseases. Identifiers: MedGen C0950123, MeSH D030342.

Submissions (2):

Ambry Genetics
Classification: Uncertain significance for Inborn genetic diseases. Last evaluated: 2026-01-06. Review status: criteria provided, single submitter. Criteria: Ambry Variant Classification Scheme 2023. Collection method: clinical testing. Allele origin: germline.
Comment: The p.S379C variant (also known as c.1136C>G), located in coding exon 5 of the PIK3CA gene, results from a C to G substitution at nucleotide position 1136. The serine at codon 379 is replaced by cysteine, an amino acid with dissimilar properties. This amino acid position is conserved. In addition, the in silico prediction for this alteration is inconclusive. Based on the available evidence, the clinical significance of this variant remains unclear.

Labcorp Genetics (formerly Invitae), Labcorp
Classification: Uncertain significance for Cowden syndrome. Last evaluated: 2021-03-27. Review status: criteria provided, single submitter. Criteria: Invitae Variant Classification Sherloc (09022015). Collection method: clinical testing. Allele origin: germline.
Comment: In summary, the available evidence is currently insufficient to determine the role of this variant in disease. Therefore, it has been classified as a Variant of Uncertain Significance. Advanced modeling of protein sequence and biophysical properties (such as structural, functional, and spatial information, amino acid conservation, physicochemical variation, residue mobility, and thermodynamic stability) performed at Invitae indicates that this missense variant is expected to disrupt PIK3CA protein function. This variant has not been reported in the literature in individuals with PIK3CA-related conditions. This variant is not present in population databases (ExAC no frequency). This sequence change replaces serine with cysteine at codon 379 of the PIK3CA protein (p.Ser379Cys). The serine residue is highly conserved and there is a moderate physicochemical difference between serine and cysteine.

NM_006218.4(PIK3CA):c.1136C>G (p.Ser379Cys)

Gene: PIK3CA (phosphatidylinositol-4,5-bisphosphate 3-kinase catalytic subunit alpha; plus strand). Cytogenetic location: 3q26.32.
Variant type: single nucleotide variant.
Coding change: c.1136C>G on transcript NM_006218.4 (MANE Select); coding-DNA position 1136, C replaced by G.
Protein change: p.Ser379Cys; replaces serine 379 with cysteine.
Molecular consequence: missense variant.
Genome position (GRCh38, 1-based): chr3:179,204,579, C>G. VCF-style: chr3-179204579-C-G. GRCh37 (hg19) VCF-style: chr3-178922367-C-G.
Other names: c.1136C>G (NM_006218.2); short protein forms S379C.
Identifiers: ClinVar variation 1382588 (VCV001382588.9), dbSNP rs1724507950, ClinGen allele CA355283168.
Genomic context (GRCh38, chr3:179,204,579, plus strand): 5'-GTATCTACCATGGAGGAGAACCCTTATGTGACAATGTGAACACTCAAAGAGTACCTTGTT[C>G]CAATCCCAGGTAAGGAAGTATATAGATTTATATTTCCAAAGGTTATATTAGTGTTTAGCA-3'
Protein context (NP_006209.2, residues 369-389): DNVNTQRVPC[Ser379Cys]NPRWNEWLNY